The following is an entry in ClinVar:

ClinVar aggregate classification (germline): Benign. Review status: criteria provided, multiple submitters, no conflicts (2 of 4 stars). 6 submissions from 6 submitters: Benign (6). Last evaluated 2026-05-09.

Conditions:
Ellis-van Creveld syndrome (EVC). Also called: Chondroectodermal dysplasia; MESOECTODERMAL DYSPLASIA. Identifiers: Orphanet 289, MedGen C0013903, MONDO:0009162, OMIM 225500.
Curry-Hall syndrome (WAD). Also called: WEYERS ACRODENTAL DYSOSTOSIS. Identifiers: Orphanet 952, MedGen C0457013, MONDO:0008673, OMIM 193530.

Allele frequency attached by ClinVar (database versions not stated): ESP Exome Variant Server 0.05128; gnomAD exomes 0.05795 and 0.07224; TOPMed 0.04310; gnomAD 0.05240 and 0.05194; ExAC 0.06045; 1000 Genomes Project 0.02756; 1000 Genomes Project 30x 0.02608.
gnomAD v4.1: 112,803 of 1,614,150 alleles (7%); highest among the groups gnomAD compares: Non-Finnish European, 7.9%; 4,506 homozygotes.

Submissions (6):

Women's Health and Genetics/Laboratory Corporation of America, LabCorp
Classification: Benign. Last evaluated: 2026-05-09. Review status: criteria provided, single submitter. Criteria: LabCorp Variant Classification Summary - May 2015. Collection method: clinical testing. Allele origin: germline.

Labcorp Genetics (formerly Invitae), Labcorp
Classification: Benign for Curry-Hall syndrome; Ellis-van Creveld syndrome. Last evaluated: 2026-02-04. Review status: criteria provided, single submitter. Criteria: Invitae Variant Classification Sherloc (09022015). Collection method: clinical testing. Allele origin: germline.

ARUP Laboratories, Molecular Genetics and Genomics, ARUP Laboratories
Classification: Benign. Last evaluated: 2025-06-26. Review status: criteria provided, single submitter. Criteria: ARUP Molecular Germline Variant Investigation Process 2024. Collection method: clinical testing. Allele origin: germline.

Illumina Laboratory Services, Illumina
Classification: Benign for Ellis-van Creveld syndrome. Last evaluated: 2018-01-12. Review status: criteria provided, single submitter. Criteria: ICSL Variant Classification Criteria 13 December 2019. Collection method: clinical testing. Allele origin: germline.
Comment: This variant was observed in the ICSL laboratory as part of a predisposition screen in an ostensibly healthy population. It had not been previously curated by ICSL or reported in the Human Gene Mutation Database (HGMD: prior to June 1st, 2018), and was therefore a candidate for classification through an automated scoring system. Utilizing variant allele frequency, disease prevalence and penetrance estimates, and inheritance mode, an automated score was calculated to assess if this variant is too frequent to cause the disease. Based on the score and internal cut-off values, a variant classified as benign is not then subjected to further curation. The score for this variant resulted in a classification of benign for this disease.

GeneDx
Classification: Benign. Last evaluated: 2016-04-07. Review status: criteria provided, single submitter. Criteria: GeneDx Variant Classification (06012015). Collection method: clinical testing. Allele origin: germline. Affected: yes.
Comment: This variant is considered likely benign or benign based on one or more of the following criteria: it is a conservative change, it occurs at a poorly conserved position in the protein, it is predicted to be benign by multiple in silico algorithms, and/or has population frequency not consistent with disease.

Breakthrough Genomics
Classification: Benign. Review status: criteria provided, single submitter. Criteria: ACMG Guidelines, 2015. Collection method: not provided. Allele origin: germline. Inheritance: Autosomal recessive inheritance. Affected: yes.

NM_147127.5(EVC2):c.3253C>T (p.Leu1085=)

Gene: EVC2 (EvC ciliary complex subunit 2; minus strand). Cytogenetic location: 4p16.2.
Variant type: single nucleotide variant.
Coding change: c.3253C>T on transcript NM_147127.5 (MANE Select); coding-DNA position 3253, C replaced by T.
Protein change: p.Leu1085=; no amino-acid change (leucine 1085 retained).
Molecular consequence: synonymous variant.
Genome position (GRCh38, 1-based): chr4:5,576,259, G>A on the plus strand (C>T on the coding strand, the complement: EVC2 is on the minus strand). VCF-style: chr4-5576259-G-A. GRCh37 (hg19) VCF-style: chr4-5577986-G-A.
Other names: c.3013C>T, p.Leu1005= (NM_001166136.2).
Identifiers: ClinVar variation 348986 (VCV000348986.29), dbSNP rs112554914, ClinGen allele CA2834402.